The following is an entry in ClinVar:

NC_000007.14:g.(?_5986749)_(6009468_?)del

Genes: AIMP2 (aminoacyl tRNA synthetase complex interacting multifunctional protein 2; plus strand), PMS2 (PMS1 homolog 2, mismatch repair system component; minus strand). Cytogenetic location: 7p22.1.
Variant type: Deletion.
Identifiers: ClinVar variation 3245666 (VCV003245666.1).

ClinVar aggregate classification (germline): Pathogenic (1 of 4 stars; one submission).

Conditions:
Hereditary nonpolyposis colorectal neoplasms. Identifiers: MedGen C0009405, MeSH D003123.

Submission:

Labcorp Genetics (formerly Invitae), Labcorp
Classification: Pathogenic for Hereditary nonpolyposis colorectal neoplasms. Last evaluated: 2023-07-05. Review status: criteria provided, single submitter. Criteria: Invitae Variant Classification Sherloc (09022015). Collection method: clinical testing. Allele origin: unknown.
Comment: For these reasons, this variant has been classified as Pathogenic. A similar copy number variant has been observed in individual(s) with clinical features of Lynch syndrome (PMID: 26895986). This variant is a gross deletion of the genomic region encompassing exon(s) 1-12 of the PMS2 gene, which includes the initiator codon. This deletion extends beyond the assayed region for this gene and therefore may encompass additional genes. It is expected to result in an absent or disrupted protein product. Loss-of-function variants in PMS2 are known to be pathogenic (PMID: 21376568, 24362816).

Literature cited by the submitters: PubMed 26895986; PubMed 21376568; PubMed 24362816.